The following is an entry in ClinVar:

NM_001110556.2(FLNA):c.2319A>C (p.Lys773Asn)

Gene: FLNA (filamin A; minus strand). Cytogenetic location: Xq28.
Variant type: single nucleotide variant.
Coding change: c.2319A>C on transcript NM_001110556.2 (MANE Select); coding-DNA position 2319, A replaced by C.
Protein change: p.Lys773Asn; replaces lysine 773 with asparagine.
Molecular consequence: missense variant.
Genome position (GRCh38, 1-based): chrX:154,362,746, T>G on the plus strand (A>C on the coding strand, the complement: FLNA is on the minus strand). VCF-style: chrX-154362746-T-G. GRCh37 (hg19) VCF-style: chrX-153591114-T-G.
Other names: c.2319A>C, p.Lys773Asn (NM_001456.4); short protein forms K773N.
Identifiers: ClinVar variation 1427098 (VCV001427098.7), dbSNP rs1060500719, ClinGen allele CA415237514.

ClinVar aggregate classification (germline): Uncertain significance (1 of 4 stars; one submission).

Conditions:
Melnick-Needles syndrome (MNS). Also called: MELNICK-NEEDLES OSTEODYSPLASTY; Melnick-Needles Syndrome (FLNA-MNS); OSTEODYSPLASTY OF MELNICK AND NEEDLES. Identifiers: Orphanet 2484, MedGen C0025237, MONDO:0010650, OMIM 309350.
Frontometaphyseal dysplasia (FMD1). Identifiers: Orphanet 1826, MedGen C0265293, MONDO:0015942.
Heterotopia, periventricular, X-linked dominant (PVNH1). Also called: PERIVENTRICULAR NODULAR HETEROTOPIA 1; X-linked periventricular heterotopia; PERIVENTRICULAR NODULAR HETEROTOPIA 4; HETEROTOPIA, PERIVENTRICULAR, 1. Identifiers: Orphanet 2149, Orphanet 82004, MedGen C1848213, MONDO:0010233, OMIM 300049.
Oto-palato-digital syndrome, type II (OPD2). Also called: FACIOPALATOOSSEOUS SYNDROME; Otopalatodigital Syndrome Type 2 (FLNA-OPD2); OPD II SYNDROME; Otopalatodigital Syndrome, Type II. Identifiers: Orphanet 669, Orphanet 90652, MedGen C1844696, MONDO:0010571, OMIM 304120.

gnomAD v4.1: 3 of 1,204,466 alleles (0.00025%); highest among the groups gnomAD compares: Non-Finnish European, 0.00034%; no homozygotes.

Submission:

Labcorp Genetics (formerly Invitae), Labcorp
Classification: Uncertain significance for Oto-palato-digital syndrome, type II; Heterotopia, periventricular, X-linked dominant; Frontometaphyseal dysplasia; Melnick-Needles syndrome. Last evaluated: 2025-10-27. Review status: criteria provided, single submitter. Criteria: Invitae Variant Classification Sherloc (09022015). Collection method: clinical testing. Allele origin: germline.
Comment: This sequence change replaces lysine, which is basic and polar, with asparagine, which is neutral and polar, at codon 773 of the FLNA protein (p.Lys773Asn). This variant is not present in population databases (gnomAD no frequency). This variant has not been reported in the literature in individuals affected with FLNA-related conditions. ClinVar contains an entry for this variant (Variation ID: 1427098). Invitae Evidence Modeling of protein sequence and biophysical properties (such as structural, functional, and spatial information, amino acid conservation, physicochemical variation, residue mobility, and thermodynamic stability) indicates that this missense variant is not expected to disrupt FLNA protein function with a negative predictive value of 95%. In summary, the available evidence is currently insufficient to determine the role of this variant in disease. Therefore, it has been classified as a Variant of Uncertain Significance.